The following is an entry in ClinVar:

ClinVar aggregate classification (germline): Uncertain significance (1 of 4 stars; one submission).

Conditions:
Dyskeratosis congenita, autosomal dominant 6 (DKCA6). Identifiers: Orphanet 3322, MedGen C4225284, MONDO:0014690, OMIM 616553.

Allele frequency attached by ClinVar (database versions not stated): gnomAD 0.00001 and 0.00003; ExAC 0.00002; gnomAD exomes 0.00003; TOPMed 0.00004; ESP Exome Variant Server 0.00008.

Submission:

Labcorp Genetics (formerly Invitae), Labcorp
Classification: Uncertain significance for Dyskeratosis congenita, autosomal dominant 6. Last evaluated: 2025-06-06. Review status: criteria provided, single submitter. Criteria: Invitae Variant Classification Sherloc (09022015). Collection method: clinical testing. Allele origin: germline.
Comment: This sequence change replaces arginine, which is basic and polar, with glutamine, which is neutral and polar, at codon 297 of the ACD protein (p.Arg297Gln). This variant is present in population databases (rs146270351, gnomAD 0.02%). This variant has not been reported in the literature in individuals affected with ACD-related conditions. ClinVar contains an entry for this variant (Variation ID: 998418). Invitae Evidence Modeling of protein sequence and biophysical properties (such as structural, functional, and spatial information, amino acid conservation, physicochemical variation, residue mobility, and thermodynamic stability) indicates that this missense variant is expected to disrupt ACD protein function with a positive predictive value of 80%. In summary, the available evidence is currently insufficient to determine the role of this variant in disease. Therefore, it has been classified as a Variant of Uncertain Significance.

NM_001082486.2(ACD):c.632G>A (p.Arg211Gln)

Gene: ACD (ACD shelterin complex subunit and telomerase recruitment factor; minus strand). Cytogenetic location: 16q22.1.
Variant type: single nucleotide variant.
Coding change: c.632G>A on transcript NM_001082486.2 (MANE Select); coding-DNA position 632, G replaced by A.
Protein change: p.Arg211Gln; replaces arginine 211 with glutamine.
Molecular consequence: missense variant.
Genome position (GRCh38, 1-based): chr16:67,658,941, C>T on the plus strand (G>A on the coding strand, the complement: ACD is on the minus strand). VCF-style: chr16-67658941-C-T. GRCh37 (hg19) VCF-style: chr16-67692844-C-T.
Other names: c.623G>A, p.Arg208Gln (NM_022914.3); short protein forms R208Q, R211Q.
Identifiers: ClinVar variation 998418 (VCV000998418.8), dbSNP rs146270351, ClinGen allele CA8114604.